The following is an entry in ClinVar:

ClinVar aggregate classification (germline): Uncertain significance (1 of 4 stars; one submission).

Allele frequency attached by ClinVar (database versions not stated): gnomAD 0.00005.
gnomAD v4.1: 21 of 1,207,476 alleles (0.0017%); highest among the groups gnomAD compares: Admixed American, 0.044%; no homozygotes.

Submission:

Labcorp Genetics (formerly Invitae), Labcorp
Classification: Uncertain significance. Last evaluated: 2025-12-22. Review status: criteria provided, single submitter. Criteria: Invitae Variant Classification Sherloc (09022015). Collection method: clinical testing. Allele origin: germline.
Comment: This sequence change replaces glutamine, which is neutral and polar, with histidine, which is basic and polar, at codon 21 of the MSN protein (p.Gln21His). The frequency data for this variant in the population databases is considered unreliable, as metrics indicate poor data quality at this position in the gnomAD database. This variant has not been reported in the literature in individuals affected with MSN-related conditions. ClinVar contains an entry for this variant (Variation ID: 1052084). An algorithm developed to predict the effect of missense changes on protein structure and function (PolyPhen-2) suggests that this variant is likely to be tolerated. In summary, the available evidence is currently insufficient to determine the role of this variant in disease. Therefore, it has been classified as a Variant of Uncertain Significance.

NM_002444.3(MSN):c.63G>T (p.Gln21His)

Gene: MSN (moesin; plus strand). Cytogenetic location: Xq12.
Variant type: single nucleotide variant.
Coding change: c.63G>T on transcript NM_002444.3 (MANE Select); coding-DNA position 63, G replaced by T.
Protein change: p.Gln21His; replaces glutamine 21 with histidine.
Molecular consequence: missense variant.
Genome position (GRCh38, 1-based): chrX:65,716,868, G>T. VCF-style: chrX-65716868-G-T. GRCh37 (hg19) VCF-style: chrX-64936730-G-T.
Other names: short protein forms Q21H.
Identifiers: ClinVar variation 1052084 (VCV001052084.10), dbSNP rs774220844, ClinGen allele CA10434442.